The following is an entry in ClinVar:

ClinVar aggregate classification (germline): Likely pathogenic (1 of 4 stars; one submission).

Conditions:
Telangiectasia, hereditary hemorrhagic, type 2 (HHT2). Also called: ACVRL1-Related Hereditary Hemorrhagic Telangiectasia; Telangiectasia, hereditary hemorrhagic, type II. Identifiers: Orphanet 774, MedGen C1838163, MONDO:0010880, OMIM 600376. Disease mechanism: loss of function.

Submission:

Labcorp Genetics (formerly Invitae), Labcorp
Classification: Likely pathogenic for Telangiectasia, hereditary hemorrhagic, type 2. Last evaluated: 2025-06-25. Review status: criteria provided, single submitter. Criteria: Invitae Variant Classification Sherloc (09022015). Collection method: clinical testing. Allele origin: germline.
Comment: This sequence change replaces cysteine, which is neutral and slightly polar, with tyrosine, which is neutral and polar, at codon 41 of the ACVRL1 protein (p.Cys41Tyr). This variant is not present in population databases (gnomAD no frequency). This missense change has been observed in individual(s) with hereditary hemorrhagic telangiectasia (PMID: 26176610). ClinVar contains an entry for this variant (Variation ID: 859439). Invitae Evidence Modeling of protein sequence and biophysical properties (such as structural, functional, and spatial information, amino acid conservation, physicochemical variation, residue mobility, and thermodynamic stability) indicates that this missense variant is expected to disrupt ACVRL1 protein function with a positive predictive value of 95%. Experimental studies have shown that this missense change affects ACVRL1 function (PMID: 26176610). This variant affects a cysteine residue located within the ACVRL1 protein ectodomain. Cysteine residues in this domain of ACVRL1 are involved in the formation of disulfide bridges critical for protein structure and stability (PMID: 22028876, 22718755, 22799562). In addition, missense substitutions within the ACVRL1 ectodomain affecting cysteine residues are overrepresented in patients with HHT (PMID: 20501893, 26176610 and an online resource). This variant disrupts the p.Cys41 amino acid residue in ACVRL1. Other variant(s) that disrupt this residue have been observed in individuals with ACVRL1-related conditions (PMID: 16429404, 26176610), which suggests that this may be a clinically significant amino acid residue. In summary, the currently available evidence indicates that the variant is pathogenic, but additional data are needed to prove that conclusively. Therefore, this variant has been classified as Likely Pathogenic.

Literature cited by the submitters: PubMed 26176610; PubMed 22028876; PubMed 22718755; PubMed 22799562; PubMed 20501893; PubMed 16429404.

NM_000020.3(ACVRL1):c.122G>A (p.Cys41Tyr)

Gene: ACVRL1 (activin A receptor like type 1; plus strand). Cytogenetic location: 12q13.13.
Variant type: single nucleotide variant.
Coding change: c.122G>A on transcript NM_000020.3 (MANE Select); coding-DNA position 122, G replaced by A.
Protein change: p.Cys41Tyr; replaces cysteine 41 with tyrosine.
Molecular consequence: missense variant.
Genome position (GRCh38, 1-based): chr12:51,913,159, G>A. VCF-style: chr12-51913159-G-A. GRCh37 (hg19) VCF-style: chr12-52306943-G-A.
Other names: c.122G>A, p.Cys41Tyr (NM_001077401.2); short protein forms C41Y.
Identifiers: ClinVar variation 859439 (VCV000859439.9), dbSNP rs1184716348, ClinGen allele CA384897604.
Genomic context (GRCh38, chr12:51,913,159, plus strand): 5'-GAGACCCTGTGAAGCCGTCTCGGGGCCCGCTGGTGACCTGCACGTGTGAGAGCCCACATT[G>A]CAAGGGGCCTACCTGCCGGGGGGCCTGGTGCACAGTAGTGCTGGTGCGGGAGGAGGGGAG-3'
Protein context (NP_000011.2, residues 31-51): LVTCTCESPH[Cys41Tyr]KGPTCRGAWC